The following is an entry in ClinVar:

NM_017763.6(RNF43):c.439G>C (p.Ala147Pro)

Gene: RNF43 (ring finger protein 43; minus strand). Cytogenetic location: 17q22.
Variant type: single nucleotide variant.
Coding change: c.439G>C on transcript NM_017763.6 (MANE Select); coding-DNA position 439, G replaced by C.
Protein change: p.Ala147Pro; replaces alanine 147 with proline.
Molecular consequence: missense variant.
Genome position (GRCh38, 1-based): chr17:58,363,537, C>G on the plus strand (G>C on the coding strand, the complement: RNF43 is on the minus strand). VCF-style: chr17-58363537-C-G. GRCh37 (hg19) VCF-style: chr17-56440898-C-G.
Other names: c.439G>C, p.Ala147Pro (NM_001305544.3, NM_001438820.1, NM_001438821.1 and 1 more transcripts); c.58G>C, p.Ala20Pro (NM_001305545.2, NM_001437987.1); short protein forms A147P, A20P.
Identifiers: ClinVar variation 4155724 (VCV004155724.1).

ClinVar aggregate classification (germline): Uncertain significance (1 of 4 stars; one submission).

Submission:

Ambry Genetics
Classification: Uncertain significance. Last evaluated: 2025-06-20. Review status: criteria provided, single submitter. Criteria: Ambry Variant Classification Scheme 2023. Collection method: clinical testing. Allele origin: germline.
Comment: The p.A147P variant (also known as c.439G>C), located in coding exon 3 of the RNF43 gene, results from a G to C substitution at nucleotide position 439. The alanine at codon 147 is replaced by proline, an amino acid with highly similar properties. This amino acid position is conserved. In addition, the in silico prediction for this alteration is inconclusive. Based on the available evidence, the clinical significance of this variant remains unclear.